The following is an entry in ClinVar:

NM_000334.4(SCN4A):c.3109A>G (p.Ile1037Val)

Genes: GH-LCR (growth hormone locus control region; plus strand), SCN4A (sodium voltage-gated channel alpha subunit 4; minus strand). Cytogenetic location: 17q23.3.
Variant type: single nucleotide variant.
Coding change: c.3109A>G on transcript NM_000334.4 (MANE Select); coding-DNA position 3109, A replaced by G.
Protein change: p.Ile1037Val; replaces isoleucine 1037 with valine.
Molecular consequence: missense variant.
Genome position (GRCh38, 1-based): chr17:63,948,646, T>C on the plus strand (A>G on the coding strand, the complement: SCN4A is on the minus strand). VCF-style: chr17-63948646-T-C. GRCh37 (hg19) VCF-style: chr17-62026006-T-C.
Other names: short protein forms I1037V.
Identifiers: ClinVar variation 4760345 (VCV004760345.1).

ClinVar aggregate classification (germline): Uncertain significance (1 of 4 stars; one submission).

Conditions:
Hyperkalemic periodic paralysis. Also called: Familial hyperkalemic periodic paralysis; Gamstorp disease. Identifiers: Orphanet 682, MedGen C0238357, MONDO:0008224, OMIM 170500, HP:0007215.

Submission:

Labcorp Genetics (formerly Invitae), Labcorp
Classification: Uncertain significance for Hyperkalemic periodic paralysis. Last evaluated: 2025-06-12. Review status: criteria provided, single submitter. Criteria: Invitae Variant Classification Sherloc (09022015). Collection method: clinical testing. Allele origin: germline.
Comment: This sequence change replaces isoleucine, which is neutral and non-polar, with valine, which is neutral and non-polar, at codon 1037 of the SCN4A protein (p.Ile1037Val). This variant is present in population databases (no rsID available, gnomAD 0.0009%). This variant has not been reported in the literature in individuals affected with SCN4A-related conditions. Invitae Evidence Modeling of protein sequence and biophysical properties (such as structural, functional, and spatial information, amino acid conservation, physicochemical variation, residue mobility, and thermodynamic stability) has been performed for this missense variant. However, the output from this modeling did not meet the statistical confidence thresholds required to predict the impact of this variant on SCN4A protein function. In summary, the available evidence is currently insufficient to determine the role of this variant in disease. Therefore, it has been classified as a Variant of Uncertain Significance.